The following is an entry in ClinVar:

ClinVar aggregate classification (germline): Uncertain significance (1 of 4 stars; one submission).

Conditions:
Hereditary cancer-predisposing syndrome. Also called: Neoplastic Syndromes, Hereditary; Tumor predisposition; Hereditary Cancer Syndrome; Hereditary neoplastic syndrome. Identifiers: Orphanet 140162, MedGen C0027672, MeSH D009386, MONDO:0015356.

gnomAD v4.1: 1 of 1,614,056 alleles (0.000062%); highest among the groups gnomAD compares: East Asian, 0.0022%; no homozygotes.

Submission:

Ambry Genetics
Classification: Uncertain significance for Hereditary cancer-predisposing syndrome. Last evaluated: 2026-05-15. Review status: criteria provided, single submitter. Criteria: Ambry Variant Classification Scheme 2023. Collection method: clinical testing. Allele origin: germline.
Comment: The p.R46K variant (also known as c.137G>A), located in coding exon 1 of the TSC2 gene, results from a G to A substitution at nucleotide position 137. The arginine at codon 46 is replaced by lysine, an amino acid with highly similar properties. This amino acid position is conserved. In addition, this alteration is predicted to be tolerated by in silico analysis. Based on the available evidence, the clinical significance of this variant remains unclear.

NM_000548.5(TSC2):c.137G>A (p.Arg46Lys)

Gene: TSC2 (TSC complex subunit 2; plus strand). Cytogenetic location: 16p13.3.
Variant type: single nucleotide variant.
Coding change: c.137G>A on transcript NM_000548.5 (MANE Select); coding-DNA position 137, G replaced by A.
Protein change: p.Arg46Lys; replaces arginine 46 with lysine.
Molecular consequence: missense variant. On other transcripts: 5 prime UTR variant (19), non-coding transcript variant (5), intron variant (6).
Genome position (GRCh38, 1-based): chr16:2,048,752, G>A. VCF-style: chr16-2048752-G-A. GRCh37 (hg19) VCF-style: chr16-2098753-G-A.
Other names: c.-680G>A (NM_001406687.1, NM_001406680.1, NM_001406683.1); c.-90G>A (NM_001406688.1, NM_001318831.2, NM_001406682.1 and 2 more transcripts); c.-1295G>A (NM_001406689.1, NM_001406690.1, NM_001406691.1 and 2 more transcripts); c.-1601G>A (NM_001406693.1); c.-1176G>A (NM_001406694.1, NM_001406695.1); c.-1283G>A (NM_001406696.1); c.-1471G>A (NM_001406698.1); c.137G>A, p.Arg46Lys (NM_021055.3, NM_001363528.2, NM_001370404.1 and 13 more transcripts); and 4 more; short protein forms R46K, R57K.
Identifiers: ClinVar variation 4866118 (VCV004866118.1).